The following is an entry in ClinVar:

NM_001276270.2(MBD4):c.707C>T (p.Thr236Ile)

Gene: MBD4 (methyl-CpG binding domain 4, DNA glycosylase; minus strand). Cytogenetic location: 3q21.3.
Variant type: single nucleotide variant.
Coding change: c.707C>T on transcript NM_001276270.2 (MANE Select); coding-DNA position 707, C replaced by T.
Protein change: p.Thr236Ile; replaces threonine 236 with isoleucine.
Molecular consequence: missense variant. On other transcripts: intron variant (1).
Genome position (GRCh38, 1-based): chr3:129,436,937, G>A on the plus strand (C>T on the coding strand, the complement: MBD4 is on the minus strand). VCF-style: chr3-129436937-G-A. GRCh37 (hg19) VCF-style: chr3-129155780-G-A.
Other names: c.707C>T, p.Thr236Ile (NM_001276271.2, NM_001276272.2, NM_003925.3); c.247+871C>T (NM_001276273.2); short protein forms T236I.
Identifiers: ClinVar variation 1985951 (VCV001985951.6), dbSNP rs142668030, ClinGen allele CA2605481.

ClinVar aggregate classification (germline): Uncertain significance. Review status: criteria provided, multiple submitters, no conflicts (2 of 4 stars). 2 submissions from 2 submitters: Uncertain significance (2). Last evaluated 2025-12-20.

Conditions:
Inborn genetic diseases. Identifiers: MedGen C0950123, MeSH D030342.

Allele frequency attached by ClinVar (database versions not stated): gnomAD exomes below 0.00001; ExAC 0.00004; TOPMed 0.00005; gnomAD 0.00009; ESP Exome Variant Server 0.00023.

Submissions (2):

Labcorp Genetics (formerly Invitae), Labcorp
Classification: Uncertain significance. Last evaluated: 2025-12-20. Review status: criteria provided, single submitter. Criteria: Invitae Variant Classification Sherloc (09022015). Collection method: clinical testing. Allele origin: germline.
Comment: This sequence change replaces threonine, which is neutral and polar, with isoleucine, which is neutral and non-polar, at codon 236 of the MBD4 protein (p.Thr236Ile). This variant is present in population databases (rs142668030, gnomAD 0.03%). This variant has not been reported in the literature in individuals affected with MBD4-related conditions. ClinVar contains an entry for this variant (Variation ID: 1985951). An algorithm developed to predict the effect of missense changes on protein structure and function (PolyPhen-2) suggests that this variant is likely to be disruptive. In summary, the available evidence is currently insufficient to determine the role of this variant in disease. Therefore, it has been classified as a Variant of Uncertain Significance.

Ambry Genetics
Classification: Uncertain significance for Inborn genetic diseases. Last evaluated: 2024-11-18. Review status: criteria provided, single submitter. Criteria: Ambry Variant Classification Scheme 2023. Collection method: clinical testing. Allele origin: germline.
Comment: The p.T236I variant (also known as c.707C>T), located in coding exon 3 of the MBD4 gene, results from a C to T substitution at nucleotide position 707. The threonine at codon 236 is replaced by isoleucine, an amino acid with similar properties. This amino acid position is conserved. In addition, the in silico prediction for this alteration is inconclusive. Based on the available evidence, the clinical significance of this variant remains unclear.